The following is an entry in ClinVar:

NM_001040142.2(SCN2A):c.4038C>G (p.Ile1346Met)

Gene: SCN2A (sodium voltage-gated channel alpha subunit 2; plus strand). Cytogenetic location: 2q24.3.
Variant type: single nucleotide variant.
Coding change: c.4038C>G on transcript NM_001040142.2 (MANE Select); coding-DNA position 4038, C replaced by G.
Protein change: p.Ile1346Met; replaces isoleucine 1346 with methionine.
Molecular consequence: missense variant.
Genome position (GRCh38, 1-based): chr2:165,374,750, C>G. VCF-style: chr2-165374750-C-G. GRCh37 (hg19) VCF-style: chr2-166231260-C-G.
Other names: c.4038C>G, p.Ile1346Met (NM_001040143.2, NM_001371246.1, NM_001371247.1 and 1 more transcripts); short protein forms I1346M.
Identifiers: ClinVar variation 4789351 (VCV004789351.1).

ClinVar aggregate classification (germline): Likely pathogenic (1 of 4 stars; one submission).

Conditions:
Developmental and epileptic encephalopathy, 11 (DEE11). Also called: Early infantile epileptic encephalopathy 11. Identifiers: Orphanet 1934, MedGen C3150987, MONDO:0013388, OMIM 613721.
Seizures, benign familial infantile, 3 (BFIS3). Also called: CONVULSIONS, BENIGN FAMILIAL INFANTILE, 3; Familial neonatal seizures. Identifiers: Orphanet 140927, Orphanet 306, MedGen C1843140, MONDO:0011904, OMIM 607745.

Submission:

Labcorp Genetics (formerly Invitae), Labcorp
Classification: Likely pathogenic for Seizures, benign familial infantile, 3; Developmental and epileptic encephalopathy, 11. Last evaluated: 2025-04-01. Review status: criteria provided, single submitter. Criteria: Invitae Variant Classification Sherloc (09022015). Collection method: clinical testing. Allele origin: germline.
Comment: This sequence change replaces isoleucine, which is neutral and non-polar, with methionine, which is neutral and non-polar, at codon 1346 of the SCN2A protein (p.Ile1346Met). This variant is not present in population databases (gnomAD no frequency). This variant has not been reported in the literature in individuals affected with SCN2A-related conditions. Invitae Evidence Modeling of protein sequence and biophysical properties (such as structural, functional, and spatial information, amino acid conservation, physicochemical variation, residue mobility, and thermodynamic stability) indicates that this missense variant is expected to disrupt SCN2A protein function with a positive predictive value of 95%. This variant disrupts the p.Ile1346 amino acid residue in SCN2A. Other variant(s) that disrupt this residue have been determined to be pathogenic (internal data). This suggests that this residue is clinically significant, and that variants that disrupt this residue are likely to be disease-causing. In summary, the currently available evidence indicates that the variant is pathogenic, but additional data are needed to prove that conclusively. Therefore, this variant has been classified as Likely Pathogenic.